The following is an entry in ClinVar:

ClinVar aggregate classification (germline): Uncertain significance (3 of 4 stars; one submission).

Conditions:
Open-angle glaucoma. Identifiers: MedGen C0017612, MONDO:0005338, HP:0012108.

Allele frequency attached by ClinVar (database versions not stated): TOPMed 0.00001.

Submission:

ClinGen Glaucoma Variant Curation Expert Panel
Classification: Uncertain significance for Open-angle glaucoma. Last evaluated: 2025-12-03. Review status: reviewed by expert panel. Criteria: ClinGen Glaucoma ACMG Specifications V2.0.0 Approved. Collection method: curation. Allele origin: germline. Inheritance: Autosomal dominant inheritance.
Comment: The c.713G>A variant in MYOC is a missense variant predicted to cause substitution of Serine by Asparagine at amino acid 238 (p.Ser238Asn). The highest minor allele frequency of this variant was in the East Asian genetic ancestry group of gnomAD (v4.1.0) = 0.00004455 (2 alleles out of 44,896), which met the ≤ 0.0001 threshold set for PM2_Supporting in a genetic ancestry group of at least 10,000 alleles. The REVEL score = 0.141, which was within the 0.017-0.183 range for BP4_Moderate, suggesting that the variant does not impact MYOC function. There was no functional evidence predicting a damaging or benign impact of this variant on MYOC function. Only 1 proband with juvenile open angle glaucoma had been reported (PMID: 39998747), not meeting the ≥ 2 probands threshold required to meet PS4_Supporting. In summary, this variant met the criteria to receive a score of -1 and to be classified as a variant of uncertain significance (uncertain significance classification range -1 to 5, adapted from PMID: 32720330) for juvenile open angle glaucoma based on the ACMG/AMP criteria met, as specified by the ClinGen Glaucoma VCEP (v2.0.0, 5 Dec 2024): BP4_Moderate, PM2_Supporting

NM_000261.2(MYOC):c.713G>A (p.Ser238Asn)

Gene: MYOC (myocilin; minus strand). Cytogenetic location: 1q24.3.
Variant type: single nucleotide variant.
Coding change: c.713G>A on transcript NM_000261.2 (MANE Select); coding-DNA position 713, G replaced by A.
Protein change: p.Ser238Asn; replaces serine 238 with asparagine.
Molecular consequence: missense variant.
Genome position (GRCh38, 1-based): chr1:171,638,614, C>T on the plus strand (G>A on the coding strand, the complement: MYOC is on the minus strand). VCF-style: chr1-171638614-C-T. GRCh37 (hg19) VCF-style: chr1-171607754-C-T.
Other names: NM_000261.2:c.713G>A; short protein forms S238N.
Identifiers: ClinVar variation 1703214 (VCV001703214.2), dbSNP rs557741584, ClinGen allele CA343726928.